The following is an entry in ClinVar:

NM_031935.3(HMCN1):c.5736A>T (p.Gln1912His)

Gene: HMCN1 (hemicentin 1; plus strand). Cytogenetic location: 1q31.1.
Variant type: single nucleotide variant.
Coding change: c.5736A>T on transcript NM_031935.3 (MANE Select); coding-DNA position 5736, A replaced by T.
Protein change: p.Gln1912His; replaces glutamine 1912 with histidine.
Molecular consequence: missense variant.
Genome position (GRCh38, 1-based): chr1:186,023,140, A>T. VCF-style: chr1-186023140-A-T. GRCh37 (hg19) VCF-style: chr1-185992272-A-T.
Other names: short protein forms Q1912H.
Identifiers: ClinVar variation 2380906 (VCV002380906.5), dbSNP rs201746135, ClinGen allele CA1292346.

ClinVar aggregate classification (germline): Uncertain significance. Review status: criteria provided, multiple submitters, no conflicts (2 of 4 stars). 2 submissions from 2 submitters: Uncertain significance (2). Last evaluated 2025-11-18.

Allele frequency attached by ClinVar (database versions not stated): gnomAD 0.00002; ExAC 0.00003; gnomAD exomes 0.00001; TOPMed 0.00003; 1000 Genomes Project 0.00020; 1000 Genomes Project 30x 0.00031.
gnomAD v4.1: 18 of 1,613,146 alleles (0.0011%); highest among the groups gnomAD compares: Admixed American, 0.02%; no homozygotes.

Submissions (2):

Labcorp Genetics (formerly Invitae), Labcorp
Classification: Uncertain significance. Last evaluated: 2025-11-18. Review status: criteria provided, single submitter. Criteria: Invitae Variant Classification Sherloc (09022015). Collection method: clinical testing. Allele origin: germline.
Comment: This sequence change replaces glutamine, which is neutral and polar, with histidine, which is basic and polar, at codon 1912 of the HMCN1 protein (p.Gln1912His). This variant is present in population databases (rs201746135, gnomAD 0.01%). This variant has not been reported in the literature in individuals affected with HMCN1-related conditions. ClinVar contains an entry for this variant (Variation ID: 2380906). An algorithm developed to predict the effect of missense changes on protein structure and function (PolyPhen-2) suggests that this variant is likely to be disruptive. In summary, the available evidence is currently insufficient to determine the role of this variant in disease. Therefore, it has been classified as a Variant of Uncertain Significance.

Ambry Genetics
Classification: Uncertain significance. Last evaluated: 2022-09-06. Review status: criteria provided, single submitter. Criteria: Ambry Variant Classification Scheme 2023. Collection method: clinical testing. Allele origin: germline.